The following is an entry in ClinVar:

NM_001324418.2(ADAM22):c.1537C>A (p.Arg513Ser)

Gene: ADAM22 (ADAM metallopeptidase domain 22; plus strand). Cytogenetic location: 7q21.12.
Variant type: single nucleotide variant.
Coding change: c.1537C>A on transcript NM_001324418.2 (MANE Select); coding-DNA position 1537, C replaced by A.
Protein change: p.Arg513Ser; replaces arginine 513 with serine.
Molecular consequence: missense variant.
Genome position (GRCh38, 1-based): chr7:88,149,028, C>A. VCF-style: chr7-88149028-C-A. GRCh37 (hg19) VCF-style: chr7-87778343-C-A.
Other names: c.1534C>A, p.Arg512Ser (NM_001324417.2, NM_001324419.2, NM_001391978.1 and 2 more transcripts); c.1537C>A, p.Arg513Ser (NM_001324420.2, NM_001324421.2, NM_001391976.1 and 6 more transcripts); c.1588C>A, p.Arg530Ser (NM_001391975.1, NM_001391980.1); c.1513C>A, p.Arg505Ser (NM_001391982.1); short protein forms R512S, R505S, R513S, R530S.
Identifiers: ClinVar variation 4004864 (VCV004004864.4).

ClinVar aggregate classification (germline): Uncertain significance. Review status: criteria provided, multiple submitters, no conflicts (2 of 4 stars). 3 submissions from 3 submitters: Uncertain significance (3). Last evaluated 2026-06-01.

Conditions:
Inborn genetic diseases. Identifiers: MedGen C0950123, MeSH D030342.

gnomAD v4.1: 98 of 1,611,854 alleles (0.0061%); highest among the groups gnomAD compares: Non-Finnish European, 0.0078%; no homozygotes.

Submissions (3):

CeGaT Center for Human Genetics Tuebingen
Classification: Uncertain significance. Last evaluated: 2026-06-01. Review status: criteria provided, single submitter. Criteria: CeGaT Center For Human Genetics Tuebingen Variant Classification Criteria Version 2. Collection method: clinical testing. Allele origin: germline. Affected: yes. Observed: 1 variant allele.
Comment: ADAM22: PM2, BP4

Ambry Genetics
Classification: Uncertain significance for Inborn genetic diseases. Last evaluated: 2025-04-16. Review status: criteria provided, single submitter. Criteria: Ambry Variant Classification Scheme 2023. Collection method: clinical testing. Allele origin: germline.

Blueprint Genetics
Classification: Uncertain significance. Last evaluated: 2024-09-03. Review status: criteria provided, single submitter. Criteria: ACMG Guidelines, 2015. Collection method: clinical testing. Allele origin: germline.